The following is an entry in ClinVar:

ClinVar aggregate classification (germline): Pathogenic (1 of 4 stars; one submission).

Conditions:
Townes-Brocks syndrome 1 (TBS1). Also called: DEAFNESS, SENSORINEURAL, WITH IMPERFORATE ANUS AND THUMB ANOMALIES; REAR SYNDROME; RENAL-EAR-ANAL-RADIAL SYNDROME; SALL1-Related Townes-Brocks Syndrome. Identifiers: Orphanet 857, MedGen C4551481, MONDO:0054581, OMIM 107480.

Submission:

Victorian Clinical Genetics Services, Murdoch Childrens Research Institute
Classification: Pathogenic for Townes-Brocks syndrome 1. Last evaluated: 2023-07-17. Review status: criteria provided, single submitter. Criteria: ACMG Guidelines, 2015. Collection method: clinical testing. Allele origin: germline. Inheritance: Autosomal dominant inheritance. Affected: yes.
Comment: Based on the classification scheme VCGS_Germline_v1.3.4, this variant is classified as Pathogenic. Following criteria are met: 0102 - Loss of function is a known mechanism of disease in this gene and is associated with Townes-Brocks syndrome (MIM#107480) and Townes-Brocks branchiootorenal-like syndrome (MIM#107480). (I) 0107 - This gene is associated with autosomal dominant disease. (I) 0201 - Variant is predicted to cause nonsense-mediated decay (NMD) and loss of protein (premature termination codon is located at least 54 nucleotides upstream of the final exon-exon junction). However there is some evidence that variants at the 5' end of exon 2 may escape NMD (PMID: 20301618). (SP) 0251 - This variant is heterozygous. (I) 0301 - Variant is absent from gnomAD (both v2 and v3). (SP) 0701 - Other PTC variants comparable to the one identified in this case have very strong previous evidence for pathogenicity (DECIPHER). (SP) 0807 - This variant has no previous evidence of pathogenicity. (I) 0905 - No published segregation evidence has been identified for this variant. (I) 1007 - No published functional evidence has been identified for this variant. (I) 1208 - Inheritance information for this variant is not currently available in this individual. (I) Legend: (SP) - Supporting pathogenic, (I) - Information, (SB) - Supporting benign

Literature cited by the submitters: PubMed 20301618.

NM_002968.3(SALL1):c.1606A>T (p.Lys536Ter)

Gene: SALL1 (spalt like transcription factor 1; minus strand). Cytogenetic location: 16q12.1.
Variant type: single nucleotide variant.
Coding change: c.1606A>T on transcript NM_002968.3 (MANE Select); coding-DNA position 1606, A replaced by T.
Protein change: p.Lys536Ter; replaces lysine 536 with a stop codon.
Molecular consequence: nonsense.
Genome position (GRCh38, 1-based): chr16:51,140,616, T>A on the plus strand (A>T on the coding strand, the complement: SALL1 is on the minus strand). VCF-style: chr16-51140616-T-A. GRCh37 (hg19) VCF-style: chr16-51174527-T-A.
Other names: c.1315A>T, p.Lys439Ter (NM_001127892.2); short protein forms K439*, K536*.
Identifiers: ClinVar variation 3254898 (VCV003254898.1), dbSNP rs2506491042.
Genomic context (GRCh38, chr16:51,140,616, plus strand): 5'-CGACTGAAGTGGTCAGAGTAGGCAGGACTGGTTTGGTGTCTAGCCAGCTGGTGACTGGCT[T>A]CTCTGGAGGGATGGACATGCCATATGGGATGCCAGTACTCGTGGGGATATTGTCCAAATG-3'